The following is an entry in ClinVar:

NM_005477.3(HCN4):c.2695G>C (p.Val899Leu)

Gene: HCN4 (hyperpolarization activated cyclic nucleotide gated potassium channel 4; minus strand). Cytogenetic location: 15q24.1.
Variant type: single nucleotide variant.
Coding change: c.2695G>C on transcript NM_005477.3 (MANE Select); coding-DNA position 2695, G replaced by C.
Protein change: p.Val899Leu; replaces valine 899 with leucine.
Molecular consequence: missense variant.
Genome position (GRCh38, 1-based): chr15:73,323,398, C>G on the plus strand (G>C on the coding strand, the complement: HCN4 is on the minus strand). VCF-style: chr15-73323398-C-G. GRCh37 (hg19) VCF-style: chr15-73615739-C-G.
Other names: short protein forms V899L.
Identifiers: ClinVar variation 4802401 (VCV004802401.1).

ClinVar aggregate classification (germline): Uncertain significance (1 of 4 stars; one submission).

Conditions:
Brugada syndrome 8 (BRGDA8). Identifiers: Orphanet 130, MedGen C2751083, MONDO:0013148, OMIM 613123.

Submission:

Labcorp Genetics (formerly Invitae), Labcorp
Classification: Uncertain significance for Brugada syndrome 8. Last evaluated: 2025-12-19. Review status: criteria provided, single submitter. Criteria: Invitae Variant Classification Sherloc (09022015). Collection method: clinical testing. Allele origin: germline.
Comment: This sequence change replaces valine, which is neutral and non-polar, with leucine, which is neutral and non-polar, at codon 899 of the HCN4 protein (p.Val899Leu). This variant is not present in population databases (gnomAD no frequency). This variant has not been reported in the literature in individuals affected with HCN4-related conditions. Invitae Evidence Modeling of protein sequence and biophysical properties (such as structural, functional, and spatial information, amino acid conservation, physicochemical variation, residue mobility, and thermodynamic stability) indicates that this missense variant is not expected to disrupt HCN4 protein function with a negative predictive value of 95%. In summary, the available evidence is currently insufficient to determine the role of this variant in disease. Therefore, it has been classified as a Variant of Uncertain Significance.